The following is an entry in ClinVar:

NM_001457.4(FLNB):c.5444A>T (p.Tyr1815Phe)

Gene: FLNB (filamin B; plus strand). Cytogenetic location: 3p14.3.
Variant type: single nucleotide variant.
Coding change: c.5444A>T on transcript NM_001457.4 (MANE Select); coding-DNA position 5444, A replaced by T.
Protein change: p.Tyr1815Phe; replaces tyrosine 1815 with phenylalanine.
Molecular consequence: missense variant.
Genome position (GRCh38, 1-based): chr3:58,145,939, A>T. VCF-style: chr3-58145939-A-T. GRCh37 (hg19) VCF-style: chr3-58131666-A-T.
Other names: c.5537A>T, p.Tyr1846Phe (NM_001164317.2); c.5411A>T, p.Tyr1804Phe (NM_001164318.2); c.5372A>T, p.Tyr1791Phe (NM_001164319.2); short protein forms Y1804F, Y1815F, Y1846F, Y1791F.
Identifiers: ClinVar variation 3011014 (VCV003011014.3), dbSNP rs1176965992, ClinGen allele CA353354591.

ClinVar aggregate classification (germline): Uncertain significance (1 of 4 stars; one submission).

Allele frequency attached by ClinVar (database versions not stated): gnomAD exomes 0.00001.
gnomAD v4.1: 9 of 1,614,176 alleles (0.00056%); highest among the groups gnomAD compares: Admixed American, 0.0017%; no homozygotes.

Submission:

Labcorp Genetics (formerly Invitae), Labcorp
Classification: Uncertain significance. Last evaluated: 2023-09-27. Review status: criteria provided, single submitter. Criteria: Invitae Variant Classification Sherloc (09022015). Collection method: clinical testing. Allele origin: germline.
Comment: This sequence change replaces tyrosine, which is neutral and polar, with phenylalanine, which is neutral and non-polar, at codon 1815 of the FLNB protein (p.Tyr1815Phe). This variant is present in population databases (no rsID available, gnomAD 0.003%). This variant has not been reported in the literature in individuals affected with FLNB-related conditions. Advanced modeling of protein sequence and biophysical properties (such as structural, functional, and spatial information, amino acid conservation, physicochemical variation, residue mobility, and thermodynamic stability) performed at Invitae indicates that this missense variant is not expected to disrupt FLNB protein function. In summary, the available evidence is currently insufficient to determine the role of this variant in disease. Therefore, it has been classified as a Variant of Uncertain Significance.